The following is an entry in ClinVar:

NM_001242896.3(DEPDC5):c.3728C>T (p.Ala1243Val)

Gene: DEPDC5 (DEP domain containing 5, GATOR1 subcomplex subunit; plus strand). Cytogenetic location: 22q12.3.
Variant type: single nucleotide variant.
Coding change: c.3728C>T on transcript NM_001242896.3 (MANE Select); coding-DNA position 3728, C replaced by T.
Protein change: p.Ala1243Val; replaces alanine 1243 with valine.
Molecular consequence: missense variant. On other transcripts: non-coding transcript variant (2).
Genome position (GRCh38, 1-based): chr22:31,876,188, C>T. VCF-style: chr22-31876188-C-T. GRCh37 (hg19) VCF-style: chr22-32272174-C-T.
Other names: c.3701C>T, p.Ala1234Val (NM_001136029.4); c.3428C>T, p.Ala1143Val (NM_001242897.2); c.3662C>T, p.Ala1221Val (NM_001363852.2, NM_001364320.2); c.3494C>T, p.Ala1165Val (NM_001363854.2, NM_001364319.2); c.3728C>T, p.Ala1243Val (NM_001364318.2); c.3644C>T, p.Ala1215Val (NM_001369901.1, NM_001369902.1); c.3635C>T, p.Ala1212Val (NM_001369903.1, NM_014662.6); short protein forms A1143V, A1165V, A1212V, A1215V, A1221V, A1234V, A1243V.
Identifiers: ClinVar variation 1700366 (VCV001700366.3), dbSNP rs2149267149, ClinGen allele CA411279464.

ClinVar aggregate classification (germline): Uncertain significance (1 of 4 stars; one submission).

Submission:

GeneDx
Classification: Uncertain significance. Last evaluated: 2026-09-05. Review status: criteria provided, single submitter. Criteria: GeneDx Variant Classification Process June 2021. Collection method: clinical testing. Allele origin: germline.
Comment: Not observed at significant frequency in large population cohorts (gnomAD); In silico analysis supports that this missense variant has a deleterious effect on protein structure/function; Has not been previously published as pathogenic or benign to our knowledge